The following is an entry in ClinVar:

NM_001367561.1(DOCK7):c.2755A>T (p.Ile919Phe)

Gene: DOCK7 (dedicator of cytokinesis 7; minus strand). Cytogenetic location: 1p31.3.
Variant type: single nucleotide variant.
Coding change: c.2755A>T on transcript NM_001367561.1 (MANE Select); coding-DNA position 2755, A replaced by T.
Protein change: p.Ile919Phe; replaces isoleucine 919 with phenylalanine.
Molecular consequence: missense variant.
Genome position (GRCh38, 1-based): chr1:62,552,743, T>A on the plus strand (A>T on the coding strand, the complement: DOCK7 is on the minus strand). VCF-style: chr1-62552743-T-A. GRCh37 (hg19) VCF-style: chr1-63018414-T-A.
Other names: c.2755A>T, p.Ile919Phe (NM_001271999.2, NM_001272000.2, NM_001272001.2 and 2 more transcripts); c.2755A>T (NM_001271999.1); short protein forms I919F.
Identifiers: ClinVar variation 3504547 (VCV003504547.2).

ClinVar aggregate classification (germline): Uncertain significance. Review status: criteria provided, multiple submitters, no conflicts (2 of 4 stars). 2 submissions from 2 submitters: Uncertain significance (2). Last evaluated 2025-07-11.

Conditions:
Inborn genetic diseases. Identifiers: MedGen C0950123, MeSH D030342.

gnomAD v4.1: 6 of 1,611,636 alleles (0.00037%); highest among the groups gnomAD compares: South Asian, 0.0011%; no homozygotes.

Submissions (2):

GeneDx
Classification: Uncertain significance. Last evaluated: 2025-07-11. Review status: criteria provided, single submitter. Criteria: GeneDx Variant Classification Process June 2021. Collection method: clinical testing. Allele origin: germline. Affected: yes.
Comment: Not observed at significant frequency in large population cohorts (gnomAD); In silico analysis suggests that this missense variant does not alter protein structure/function; Has not been previously published as pathogenic or benign to our knowledge

Ambry Genetics
Classification: Uncertain significance for Inborn genetic diseases. Last evaluated: 2024-07-30. Review status: criteria provided, single submitter. Criteria: Ambry Variant Classification Scheme 2023. Collection method: clinical testing. Allele origin: germline.